The following is an entry in ClinVar:

NM_001205293.3(CACNA1E):c.4807T>G (p.Ser1603Ala)

Gene: CACNA1E (calcium voltage-gated channel subunit alpha1 E; plus strand). Cytogenetic location: 1q25.3.
Variant type: single nucleotide variant.
Coding change: c.4807T>G on transcript NM_001205293.3 (MANE Select); coding-DNA position 4807, T replaced by G.
Protein change: p.Ser1603Ala; replaces serine 1603 with alanine.
Molecular consequence: missense variant.
Genome position (GRCh38, 1-based): chr1:181,763,523, T>G. VCF-style: chr1-181763523-T-G. GRCh37 (hg19) VCF-style: chr1-181732659-T-G.
Other names: c.4807T>G, p.Ser1603Ala (NM_000721.4); c.4750T>G, p.Ser1584Ala (NM_001205294.2); short protein forms S1584A, S1603A.
Identifiers: ClinVar variation 5000352 (VCV005000352.1).

ClinVar aggregate classification (germline): Uncertain significance (1 of 4 stars; one submission).

Conditions:
CACNA1E-related disorder. Also called: CACNA1E-related condition.

Submission:

PreventionGenetics, part of Exact Sciences
Classification: Uncertain significance for CACNA1E-related condition. Last evaluated: 2026-01-05. Review status: criteria provided, single submitter. Criteria: ACMG Guidelines, 2015. Collection method: clinical testing. Allele origin: germline.
Comment: The CACNA1E c.4807T>G variant is predicted to result in the amino acid substitution p.Ser1603Ala. To our knowledge, this variant has not been reported in the literature or in a large population database (gnomAD), indicating this variant is rare. At this time, the clinical significance of this variant is uncertain due to the absence of conclusive functional and genetic evidence.